The following is an entry in ClinVar:

NM_001291867.2(NHS):c.1895G>C (p.Gly632Ala)

Gene: NHS (NHS actin remodeling regulator; plus strand). Cytogenetic location: Xp22.13.
Variant type: single nucleotide variant.
Coding change: c.1895G>C on transcript NM_001291867.2 (MANE Select); coding-DNA position 1895, G replaced by C.
Protein change: p.Gly632Ala; replaces glycine 632 with alanine.
Molecular consequence: missense variant.
Genome position (GRCh38, 1-based): chrX:17,726,001, G>C. VCF-style: chrX-17726001-G-C. GRCh37 (hg19) VCF-style: chrX-17744121-G-C.
Other names: c.1364G>C, p.Gly455Ala (NM_001136024.4); c.1301G>C, p.Gly434Ala (NM_001291868.2); c.1832G>C, p.Gly611Ala (NM_198270.4); short protein forms G434A, G455A, G611A, G632A.
Identifiers: ClinVar variation 1714035 (VCV001714035.5), dbSNP rs753396218, ClinGen allele CA10358671.
Genomic context (GRCh38, chrX:17,726,001, plus strand): 5'-CGGCTGGCGTCCTCCTTAGCAGCCACATGGACCAGAAAGATGACCACCAGTCATCCAGTG[G>C]CAACTGGAGTGGGAGCAGCTCCACGTGCCCCTCGCAGACCTCAGAAACCATCCCTCCTGC-3'
Protein context (NP_001278796.1, residues 622-642): DQKDDHQSSS[Gly632Ala]NWSGSSSTCP

ClinVar aggregate classification (germline): Uncertain significance (1 of 4 stars; one submission).

Conditions:
Nance-Horan syndrome (NHS). Identifiers: Orphanet 627, MedGen C0796085, MONDO:0010545, OMIM 302350.

Allele frequency attached by ClinVar (database versions not stated): gnomAD exomes below 0.00001; gnomAD 0.00001; TOPMed 0.00001; ExAC 0.00002.
gnomAD v4.1: 2 of 1,209,616 alleles (0.00017%); highest among the groups gnomAD compares: African/African-American, 0.0035%; no homozygotes.

Submission:

Labcorp Genetics (formerly Invitae), Labcorp
Classification: Uncertain significance for Nance-Horan syndrome. Last evaluated: 2022-07-28. Review status: criteria provided, single submitter. Criteria: Invitae Variant Classification Sherloc (09022015). Collection method: clinical testing. Allele origin: germline.
Comment: This variant has not been reported in the literature in individuals affected with NHS-related conditions. This variant is present in population databases (rs753396218, gnomAD 0.02%). This sequence change replaces glycine, which is neutral and non-polar, with alanine, which is neutral and non-polar, at codon 611 of the NHS protein (p.Gly611Ala). Algorithms developed to predict the effect of missense changes on protein structure and function (SIFT, PolyPhen-2, Align-GVGD) all suggest that this variant is likely to be disruptive. In summary, the available evidence is currently insufficient to determine the role of this variant in disease. Therefore, it has been classified as a Variant of Uncertain Significance.